The following is an entry in ClinVar:

ClinVar aggregate classification (germline): Uncertain significance (1 of 4 stars; one submission).

Conditions:
Hereditary sensory and autonomic neuropathy type 6. Also called: Neuropathy, hereditary sensory and autonomic, type VI; HSAN VI. Identifiers: Orphanet 314381, MedGen C3539003, MONDO:0013839, OMIM 614653.
Epidermolysis bullosa simplex 3, localized or generalized intermediate, with BP230 deficiency (EBS3). Also called: Epidermolysis bullosa simplex, autosomal recessive 2; Epidermolysis bullosa simplex due to BP230 deficiency. Identifiers: Orphanet 412181, MedGen C3809470, MONDO:0014180, OMIM 615425.

Allele frequency attached by ClinVar (database versions not stated): gnomAD exomes below 0.00001; TOPMed below 0.00001.
gnomAD v4.1: 2 of 1,613,938 alleles (0.00012%); highest among the groups gnomAD compares: Admixed American, 0.0017%; no homozygotes.

Submission:

Labcorp Genetics (formerly Invitae), Labcorp
Classification: Uncertain significance for Epidermolysis bullosa simplex 3, localized or generalized intermediate, with BP230 deficiency; Hereditary sensory and autonomic neuropathy type 6. Last evaluated: 2022-06-23. Review status: criteria provided, single submitter. Criteria: Invitae Variant Classification Sherloc (09022015). Collection method: clinical testing. Allele origin: germline.
Comment: In summary, the available evidence is currently insufficient to determine the role of this variant in disease. Therefore, it has been classified as a Variant of Uncertain Significance. Experimental studies and prediction algorithms are not available or were not evaluated, and the functional significance of this variant is currently unknown. This variant has not been reported in the literature in individuals affected with DST-related conditions. This variant is present in population databases (no rsID available, gnomAD 0.003%). This sequence change replaces aspartic acid, which is acidic and polar, with valine, which is neutral and non-polar, at codon 2622 of the DST protein (p.Asp2622Val). The DST gene has multiple clinically relevant transcripts. This variant occurs in alternate transcript NM_015548.4, and corresponds to NM_001723.5:c.*62459A>T in the primary transcript.

NM_001374736.1(DST):c.15734A>T (p.Asp5245Val)

Gene: DST (dystonin; minus strand). Cytogenetic location: 6p12.1.
Variant type: single nucleotide variant.
Coding change: c.15734A>T on transcript NM_001374736.1 (MANE Select); coding-DNA position 15734, A replaced by T.
Protein change: p.Asp5245Val; replaces aspartic acid 5245 with valine.
Molecular consequence: missense variant.
Genome position (GRCh38, 1-based): chr6:56,553,058, T>A on the plus strand (A>T on the coding strand, the complement: DST is on the minus strand). VCF-style: chr6-56553058-T-A. GRCh37 (hg19) VCF-style: chr6-56417856-T-A.
Other names: c.9377A>T, p.Asp3126Val (NM_001144769.5); c.8963A>T, p.Asp2988Val (NM_001144770.2); c.15734A>T, p.Asp5245Val (NM_001374722.1); c.15101A>T, p.Asp5034Val (NM_001374729.1); c.8843A>T, p.Asp2948Val (NM_001374730.1, NM_001386100.1, NM_183380.4); c.15761A>T, p.Asp5254Val (NM_001374734.1); c.7865A>T, p.Asp2622Val (NM_015548.5); short protein forms D2948V, D3126V, D5245V, D5254V, D2622V, D2988V, D5034V.
Identifiers: ClinVar variation 1044576 (VCV001044576.9), dbSNP rs1248294838, ClinGen allele CA364516254.
Genomic context (GRCh38, chr6:56,553,058, plus strand): 5'-TTCTTACTGTGAAGTTGTTCAGTGACCATGTCCACCTTCTGGATCAGTGACTTATTCTCA[T>A]CTGTAACAACTTCTTTATCTATCTCACAGACACTGAGCAAGCTATTGGCTGTGTTGTTCA-3'
Protein context (NP_001361665.1, residues 5235-5255): VCEIDKEVVT[Asp5245Val]ENKSLIQKVD